The following is an entry in ClinVar:

NM_033380.3(COL4A5):c.4410del (p.Thr1471fs)

Gene: COL4A5 (collagen type IV alpha 5 chain; plus strand). Cytogenetic location: Xq22.3.
Variant type: Deletion.
Coding change: c.4410del on transcript NM_033380.3 (MANE Select); coding-DNA position 4410, one base deleted (T; older notation c.4410delT).
Protein change: p.Thr1471fs; shifts the reading frame from threonine 1471.
Molecular consequence: frameshift variant.
Genome position (GRCh38, 1-based): chrX:108,687,576, T deleted; the last of 2 consecutive T bases (chrX:108,687,575-108,687,576); deleting either gives the same sequence. VCF-style (leftmost placement, unchanged base first): chrX-108687574-AT-A. GRCh37 (hg19) VCF-style: chrX-107930804-AT-A.
Other names: c.4392del, p.Thr1465fs (NM_000495.5); short protein forms T1465fs, T1471fs.
Identifiers: ClinVar variation 1725994 (VCV001725994.2), dbSNP rs2524632451, ClinGen allele CA2580100171.

ClinVar aggregate classification (germline): Likely pathogenic (1 of 4 stars; one submission).

Conditions:
X-linked Alport syndrome (ATS1). Also called: NEPHROPATHY AND DEAFNESS, X-LINKED; COL4A5-Related Nephropathy. Identifiers: Orphanet 63, Orphanet 88917, MedGen C4746986, MONDO:0010520, OMIM 301050.

Submission:

Myriad Genetics, Inc.
Classification: Likely pathogenic for X-linked Alport syndrome. Last evaluated: 2022-04-30. Review status: criteria provided, single submitter. Criteria: Myriad Women's Health Autosomal Recessive and X-Linked Classification Criteria (2021). Collection method: clinical testing. Allele origin: unknown.
Comment: NM_000495.4(COL4A5):c.4392delT(T1465Hfs*83) is expected to be pathogenic in the context of X-linked Alport syndrome. This variant is predicted to lead to an abnormal or absent protein product due to the creation of a premature termination codon in COL4A5, a gene where loss-of-function variants are known to be pathogenic. Please note: this variant was assessed in the context of healthy population screening.